The following is an entry in ClinVar:

NM_017986.4(SLC52A1):c.112G>A (p.Val38Ile)

Gene: SLC52A1 (solute carrier family 52 member 1; minus strand). Cytogenetic location: 17p13.2.
Variant type: single nucleotide variant.
Coding change: c.112G>A on transcript NM_017986.4 (MANE Select); coding-DNA position 112, G replaced by A.
Protein change: p.Val38Ile; replaces valine 38 with isoleucine.
Molecular consequence: missense variant.
Genome position (GRCh38, 1-based): chr17:5,034,495, C>T on the plus strand (G>A on the coding strand, the complement: SLC52A1 is on the minus strand). VCF-style: chr17-5034495-C-T. GRCh37 (hg19) VCF-style: chr17-4937790-C-T.
Other names: c.112G>A, p.Val38Ile (NM_001104577.2); short protein forms V38I.
Identifiers: ClinVar variation 4705191 (VCV004705191.1).

ClinVar aggregate classification (germline): Uncertain significance (1 of 4 stars; one submission).

Conditions:
Vitamin B2 deficiency. Identifiers: MedGen C0035528.

Submission:

Labcorp Genetics (formerly Invitae), Labcorp
Classification: Uncertain significance for Vitamin B2 deficiency. Last evaluated: 2025-12-15. Review status: criteria provided, single submitter. Criteria: Invitae Variant Classification Sherloc (09022015). Collection method: clinical testing. Allele origin: germline.
Comment: This sequence change replaces valine, which is neutral and non-polar, with isoleucine, which is neutral and non-polar, at codon 38 of the SLC52A1 protein (p.Val38Ile). This variant is not present in population databases (gnomAD no frequency). This variant has not been reported in the literature in individuals affected with SLC52A1-related conditions. Invitae Evidence Modeling of protein sequence and biophysical properties (such as structural, functional, and spatial information, amino acid conservation, physicochemical variation, residue mobility, and thermodynamic stability) indicates that this missense variant is not expected to disrupt SLC52A1 protein function with a negative predictive value of 80%. In summary, the available evidence is currently insufficient to determine the role of this variant in disease. Therefore, it has been classified as a Variant of Uncertain Significance.